The following is an entry in ClinVar:

NC_000023.11:g.(31729749_31773959)_(31774193_31819974)del

Gene: DMD (dystrophin; minus strand). Cytogenetic location: Xp21.1.
Variant type: Deletion.
Identifiers: ClinVar variation 981989 (VCV000981989.2).

ClinVar aggregate classification (germline): Pathogenic (1 of 4 stars; one submission).

Conditions:
Neuromuscular disease caused by qualitative or quantitative defects of dystrophin. Also called: Qualitative or quantitative defects of dystrophin. Identifiers: Orphanet 207085, MedGen C5679787, MONDO:0016147.

Submission:

Women's Health and Genetics/Laboratory Corporation of America, LabCorp
Classification: Pathogenic for Neuromuscular disease caused by qualitative or quantitative defects of dystrophin. Last evaluated: 2025-03-06. Review status: criteria provided, single submitter. Criteria: LabCorp Variant Classification Summary - May 2015. Collection method: clinical testing. Allele origin: germline.
Comment: Variant summary: The variant involves the deletion of exons 51 in the DMD gene. A presumed nomenclature of c.(7309+1_7310-1)_(7542+1_7543-1)del has been designated for the purposes of this classification. This Copy Number Variant (CNV) is expected to alter the reading frame and predicted to result in a truncation or absence of the encoded protein due to nonsense mediated decay (NMD) and loss-of-function variants in DMD are known to be pathogenic (PMID: 16770791, 25007885). The variant was absent in 16120 control chromosomes. c.(7309+1_7310-1)_(7542+1_7543-1)del has been reported in the literature in multiple individuals affected with Dystrophinopathies (Sinha_1996, Chen_2014, Okubo_2016, Ankala_2012). These data indicate that the variant is very likely to be associated with disease. To our knowledge, no experimental evidence demonstrating an impact on protein function has been reported. The following publications have been ascertained in the context of this evaluation (PMID: 22090376, 26911353, 9007319, 25244321). ClinVar contains an entry for this variant (Variation ID: 832608, 417487). Based on the evidence outlined above, the variant was classified as pathogenic.

Literature cited by the submitters: PubMed 22090376; PubMed 26911353; PubMed 9007319; PubMed 25244321.